The following is an entry in ClinVar:

ClinVar aggregate classification (germline): Uncertain significance. Review status: criteria provided, multiple submitters, no conflicts (2 of 4 stars). 2 submissions from 2 submitters: Uncertain significance (2). Last evaluated 2020-07-24.

Allele frequency attached by ClinVar (database versions not stated): TOPMed 0.00001.
gnomAD v4.1: 10 of 1,613,806 alleles (0.00062%); highest among the groups gnomAD compares: East Asian, 0.0022%; no homozygotes.

Submissions (2):

Labcorp Genetics (formerly Invitae), Labcorp
Classification: Uncertain significance. Last evaluated: 2020-07-24. Review status: criteria provided, single submitter. Criteria: Invitae Variant Classification Sherloc (09022015). Collection method: clinical testing. Allele origin: germline.
Comment: In summary, the available evidence is currently insufficient to determine the role of this variant in disease. Therefore, it has been classified as a Variant of Uncertain Significance. Algorithms developed to predict the effect of missense changes on protein structure and function output the following: SIFT: "Tolerated"; PolyPhen-2: "Benign"; Align-GVGD: "Class C0". The serine amino acid residue is found in multiple mammalian species, suggesting that this missense change does not adversely affect protein function. These predictions have not been confirmed by published functional studies and their clinical significance is uncertain. This variant has not been reported in the literature in individuals with HSPG2-related conditions. This variant is not present in population databases (ExAC no frequency). This sequence change replaces proline with serine at codon 360 of the HSPG2 protein (p.Pro360Ser). The proline residue is moderately conserved and there is a moderate physicochemical difference between proline and serine.

Revvity Omics, Revvity
Classification: Uncertain significance. Last evaluated: 2020-03-17. Review status: criteria provided, single submitter. Criteria: ACMG Guidelines, 2015. Collection method: clinical testing. Allele origin: germline.

NM_005529.7(HSPG2):c.1078C>T (p.Pro360Ser)

Gene: HSPG2 (heparan sulfate proteoglycan 2; minus strand). Cytogenetic location: 1p36.12.
Variant type: single nucleotide variant.
Coding change: c.1078C>T on transcript NM_005529.7 (MANE Select); coding-DNA position 1078, C replaced by T.
Protein change: p.Pro360Ser; replaces proline 360 with serine.
Molecular consequence: missense variant.
Genome position (GRCh38, 1-based): chr1:21,887,215, G>A on the plus strand (C>T on the coding strand, the complement: HSPG2 is on the minus strand). VCF-style: chr1-21887215-G-A. GRCh37 (hg19) VCF-style: chr1-22213708-G-A.
Other names: c.1078C>T, p.Pro360Ser (NM_001291860.2); c.1078C>T (NM_005529.5); short protein forms P360S.
Identifiers: ClinVar variation 1042890 (VCV001042890.11), dbSNP rs370772335, ClinGen allele CA338968562.
Genomic context (GRCh38, chr1:21,887,215, plus strand): 5'-GGCAGGAGCAAGCGGCCTGGGCAGGGCAAGGGGGCCTCAGCTGGACCCTCGGATACTCAC[G>A]GCAGTTGGCTTCATCAGTTCGGTCCTCACAGTCAAAGTCACCATCGCAGCGCCACAGCTT-3'
Protein context (NP_005520.4, residues 350-370): CEDRTDEANC[Pro360Ser]TKRPEEVCGP